The following is an entry in ClinVar:

ClinVar aggregate classification (germline): Likely benign (1 of 4 stars; one submission).

Conditions:
Tuberous sclerosis 1 (TSC1). Identifiers: Orphanet 805, MedGen C1854465, MONDO:0008612, OMIM 191100.

Submission:

Myriad Genetics, Inc.
Classification: Likely benign for Tuberous sclerosis 1. Last evaluated: 2025-04-24. Review status: criteria provided, single submitter. Criteria: Myriad Autosomal Dominant, Autosomal Recessive and X-Linked Classification Criteria (2023). Collection method: clinical testing. Allele origin: unknown.
Comment: This variant is considered likely benign. This variant is intronic and is not expected to impact mRNA splicing.

NM_000368.5(TSC1):c.2041+9G>A

Gene: TSC1 (TSC complex subunit 1; minus strand). Cytogenetic location: 9q34.13.
Variant type: single nucleotide variant.
Coding change: c.2041+9G>A on transcript NM_000368.5 (MANE Select); 9 bases into the intron after coding-DNA position 2041, G replaced by A.
Molecular consequence: intron variant.
Genome position (GRCh38, 1-based): chr9:132,904,402, C>T on the plus strand (G>A on the coding strand, the complement: TSC1 is on the minus strand). VCF-style: chr9-132904402-C-T. GRCh37 (hg19) VCF-style: chr9-135779789-C-T.
Other names: c.1675+9G>A (NM_001406620.1, NM_001406625.1, NM_001406621.1 and 2 more transcripts); c.1678+9G>A (NM_001406618.1, NM_001406617.1, NM_001406624.1 and 5 more transcripts); c.1885+9G>A (NM_001406613.1, NM_001406612.1, NM_001406611.1); c.1888+9G>A (NM_001406610.1, NM_001162427.2); c.1087+9G>A (NM_001406627.1, NM_001406628.1); c.988+9G>A (NM_001406629.1, NM_001406630.1); c.2038+9G>A (NM_001406603.1, NM_001406609.1, NM_001406597.1 and 6 more transcripts); c.2041+9G>A (NM_001406602.1, NM_001406594.1, NM_001406601.1 and 7 more transcripts); and 1 more.
Identifiers: ClinVar variation 4071443 (VCV004071443.1).